The following is an entry in ClinVar:

NM_002067.5(GNA11):c.508T>A (p.Leu170Met)

Gene: GNA11 (G protein subunit alpha 11; plus strand). Cytogenetic location: 19p13.3.
Variant type: single nucleotide variant.
Coding change: c.508T>A on transcript NM_002067.5 (MANE Select); coding-DNA position 508, T replaced by A.
Protein change: p.Leu170Met; replaces leucine 170 with methionine.
Molecular consequence: missense variant.
Genome position (GRCh38, 1-based): chr19:3,114,975, T>A. VCF-style: chr19-3114975-T-A. GRCh37 (hg19) VCF-style: chr19-3114973-T-A.
Other names: c.508T>A (NM_002067.2, NM_002067.4); short protein forms L170M.
Identifiers: ClinVar variation 1106953 (VCV001106953.12), dbSNP rs191421665, ClinGen allele CA9074907.

ClinVar aggregate classification (germline): Conflicting classifications of pathogenicity. Review status: criteria provided, conflicting classifications (1 of 4 stars). 4 submissions from 4 submitters: Uncertain significance (1); Likely benign (3). Last evaluated 2026-01-23.

Conditions:
GNA11-related disorder. Also called: GNA11-related condition.
Inborn genetic diseases. Identifiers: MedGen C0950123, MeSH D030342.

Allele frequency attached by ClinVar (database versions not stated): 1000 Genomes Project 0.00080; gnomAD exomes 0.00004 and 0.00012; ExAC 0.00010; gnomAD 0.00038 and 0.00040; TOPMed 0.00066; 1000 Genomes Project 30x 0.00078.
gnomAD v4.1: 129 of 1,612,698 alleles (0.008%); highest among the groups gnomAD compares: Admixed American, 0.15%; 1 homozygote.

Submissions (4):

Labcorp Genetics (formerly Invitae), Labcorp
Classification: Likely benign. Last evaluated: 2026-01-23. Review status: criteria provided, single submitter. Criteria: Invitae Variant Classification Sherloc (09022015). Collection method: clinical testing. Allele origin: germline.

PreventionGenetics, part of Exact Sciences
Classification: Likely benign for GNA11-related condition. Last evaluated: 2025-04-23. Review status: criteria provided, single submitter. Criteria: ACMG Guidelines, 2015. Collection method: clinical testing. Allele origin: germline.
Comment: This variant is classified as likely benign based on ACMG/AMP sequence variant interpretation guidelines (Richards et al. 2015 PMID: 25741868, with internal and published modifications).

Blueprint Genetics
Classification: Likely benign. Last evaluated: 2024-09-09. Review status: criteria provided, single submitter. Criteria: ACMG Guidelines, 2015. Collection method: clinical testing. Allele origin: germline.

Ambry Genetics
Classification: Uncertain significance for Inborn genetic diseases. Last evaluated: 2024-02-02. Review status: criteria provided, single submitter. Criteria: Ambry Variant Classification Scheme 2023. Collection method: clinical testing. Allele origin: germline.